The following is an entry in ClinVar:

NM_003924.4(PHOX2B):c.157G>T (p.Ala53Ser)

Genes: PHOX2B-AS1 (PHOX2B antisense RNA 1; plus strand), PHOX2B (paired like homeobox 2B; minus strand). Cytogenetic location: 4p13.
Variant type: single nucleotide variant.
Coding change: c.157G>T on transcript NM_003924.4 (MANE Select); coding-DNA position 157, G replaced by T.
Protein change: p.Ala53Ser; replaces alanine 53 with serine.
Molecular consequence: missense variant.
Genome position (GRCh38, 1-based): chr4:41,748,454, C>A on the plus strand (G>T on the coding strand, the complement: PHOX2B is on the minus strand). VCF-style: chr4-41748454-C-A. GRCh37 (hg19) VCF-style: chr4-41750471-C-A.
Other names: short protein forms A53S.
Identifiers: ClinVar variation 997541 (VCV000997541.5), dbSNP rs1733982922, ClinGen allele CA356740956.

ClinVar aggregate classification (germline): Uncertain significance. Review status: criteria provided, multiple submitters, no conflicts (2 of 4 stars). 2 submissions from 2 submitters: Uncertain significance (2). Last evaluated 2024-05-30.

Conditions:
Congenital central hypoventilation. Also called: Congenital Central Hypoventilation Syndrome. Identifiers: Orphanet 661, Orphanet 99803, MedGen C1275808, MONDO:0800031. Disease mechanism: gain of function.
Haddad syndrome (OHD). Also called: Ondine-Hirschsprung disease. Identifiers: Orphanet 99803, MedGen C1859049, MONDO:0020493.

Submissions (2):

Labcorp Genetics (formerly Invitae), Labcorp
Classification: Uncertain significance for Haddad syndrome. Last evaluated: 2024-05-30. Review status: criteria provided, single submitter. Criteria: Invitae Variant Classification Sherloc (09022015). Collection method: clinical testing. Allele origin: germline.
Comment: This sequence change replaces alanine, which is neutral and non-polar, with serine, which is neutral and polar, at codon 53 of the PHOX2B protein (p.Ala53Ser). This variant is not present in population databases (gnomAD no frequency). This variant has not been reported in the literature in individuals affected with PHOX2B-related conditions. ClinVar contains an entry for this variant (Variation ID: 997541). Advanced modeling of protein sequence and biophysical properties (such as structural, functional, and spatial information, amino acid conservation, physicochemical variation, residue mobility, and thermodynamic stability) performed at Invitae indicates that this missense variant is not expected to disrupt PHOX2B protein function with a negative predictive value of 80%. In summary, the available evidence is currently insufficient to determine the role of this variant in disease. Therefore, it has been classified as a Variant of Uncertain Significance.

Baylor Genetics
Classification: Uncertain significance for Central hypoventilation syndrome, congenital, 1, with or without Hirschsprung disease. Last evaluated: 2020-12-22. Review status: criteria provided, single submitter. Criteria: ACMG Guidelines, 2015. Collection method: clinical testing. Allele origin: unknown. Affected: yes. Study: CSER-TexasKidsCanSeq.
Comment: This variant was determined to be of uncertain significance according to ACMG Guidelines, 2015 [PMID:25741868].